The following is an entry in ClinVar:

ClinVar aggregate classification (germline): Uncertain significance (1 of 4 stars; one submission).

Conditions:
Hypercalcemia, infantile, 1 (HCINF1). Identifiers: Orphanet 300547, MedGen CN031131, MONDO:0020739, OMIM 143880.

Submission:

Rare Kidney Stone Consortium and the Mayo Clinic Hyperoxaluria Center, Mayo Clinic
Classification: Uncertain significance for Hypercalcemia, infantile, 1. Last evaluated: 2025-10-03. Review status: criteria provided, single submitter. Criteria: ACMG Guidelines, 2015. Collection method: research. Allele origin: germline. Observed: 1 variant allele.
Comment: ACMG:PM1, PM2

Literature cited by the submitters: PubMed 40794449.

NM_000782.5(CYP24A1):c.112C>T (p.Pro38Ser)

Gene: CYP24A1 (cytochrome P450 family 24 subfamily A member 1; minus strand). Cytogenetic location: 20q13.2.
Variant type: single nucleotide variant.
Coding change: c.112C>T on transcript NM_000782.5 (MANE Select); coding-DNA position 112, C replaced by T.
Protein change: p.Pro38Ser; replaces proline 38 with serine.
Molecular consequence: missense variant.
Genome position (GRCh38, 1-based): chr20:54,173,468, G>A on the plus strand (C>T on the coding strand, the complement: CYP24A1 is on the minus strand). VCF-style: chr20-54173468-G-A. GRCh37 (hg19) VCF-style: chr20-52790007-G-A.
Other names: c.112C>T, p.Pro38Ser (NM_001128915.2, NM_001424340.1, NM_001424341.1 and 2 more transcripts); short protein forms P38S.
Identifiers: ClinVar variation 4526857 (VCV004526857.1).
Genomic context (GRCh38, chr20:54,173,468, plus strand): 5'-GGGCGGCCGCGTTCTGAGTCTCGCCACCAGCTGTCAGCGGGCAGACTGGCACCTCTCGCG[G>A]CTGAGGGGACGTGTACGCCGTAGATGTCACCAGTCTCGGGGGCTGCCTCGGACTGCGCAG-3'
Protein context (NP_000773.2, residues 28-48): VTSTAYTSPQ[Pro38Ser]REVPVCPLTA